The following is an entry in ClinVar:

NM_012470.4(TNPO3):c.1640C>G (p.Ser547Cys)

Gene: TNPO3 (transportin 3; minus strand). Cytogenetic location: 7q32.1.
Variant type: single nucleotide variant.
Coding change: c.1640C>G on transcript NM_012470.4 (MANE Select); coding-DNA position 1640, C replaced by G.
Protein change: p.Ser547Cys; replaces serine 547 with cysteine.
Molecular consequence: missense variant. On other transcripts: non-coding transcript variant (18), intron variant (2).
Genome position (GRCh38, 1-based): chr7:128,986,779, G>C on the plus strand (C>G on the coding strand, the complement: TNPO3 is on the minus strand). VCF-style: chr7-128986779-G-C. GRCh37 (hg19) VCF-style: chr7-128626833-G-C.
Other names: c.1640C>G, p.Ser547Cys (NM_001382220.1, NM_001382218.1); c.1496C>G, p.Ser499Cys (NM_001382221.1); c.1493C>G, p.Ser498Cys (NM_001382222.1); c.1742C>G, p.Ser581Cys (NM_001382216.1); c.1721C>G, p.Ser574Cys (NM_001382217.1); c.1532C>G, p.Ser511Cys (NM_001382219.1); c.1499-2520C>G (NM_001382223.1, NM_001191028.3); short protein forms S574C, S499C, S547C, S498C, S511C, S581C.
Identifiers: ClinVar variation 966736 (VCV000966736.10), dbSNP rs1800202347, ClinGen allele CA369226243.

ClinVar aggregate classification (germline): Uncertain significance (1 of 4 stars; one submission).

Conditions:
Autosomal dominant limb-girdle muscular dystrophy type 1F (LGMDD2). Also called: Limb-girdle muscular dystrophy, type 1F; MUSCULAR DYSTROPHY, LIMB-GIRDLE, AUTOSOMAL DOMINANT 2. Identifiers: Orphanet 55595, MedGen C1842062, MONDO:0012034, OMIM 608423.

Allele frequency attached by ClinVar (database versions not stated): gnomAD 0.00001.
gnomAD v4.1: 1 of 1,613,912 alleles (0.000062%); highest among the groups gnomAD compares: African/African-American, 0.0013%; no homozygotes.

Submission:

Labcorp Genetics (formerly Invitae), Labcorp
Classification: Uncertain significance for Autosomal dominant limb-girdle muscular dystrophy type 1F. Last evaluated: 2019-10-14. Review status: criteria provided, single submitter. Criteria: Invitae Variant Classification Sherloc (09022015). Collection method: clinical testing. Allele origin: germline.
Comment: This sequence change replaces serine with cysteine at codon 547 of the TNPO3 protein (p.Ser547Cys). The serine residue is moderately conserved and there is a moderate physicochemical difference between serine and cysteine. This variant is not present in population databases (ExAC no frequency). In summary, the available evidence is currently insufficient to determine the role of this variant in disease. Therefore, it has been classified as a Variant of Uncertain Significance. Algorithms developed to predict the effect of missense changes on protein structure and function (SIFT, PolyPhen-2, Align-GVGD) all suggest that this variant is likely to be tolerated, but these predictions have not been confirmed by published functional studies and their clinical significance is uncertain. This variant has not been reported in the literature in individuals with TNPO3-related conditions.